The following is an entry in ClinVar:

ClinVar aggregate classification (germline): Uncertain significance. Review status: criteria provided, multiple submitters, no conflicts (2 of 4 stars). 2 submissions from 2 submitters: Uncertain significance (2). Last evaluated 2024-10-21.

Conditions:
Myoclonic dystonia 11 (DYT11). Also called: DYT-SGCE; Myoclonic dystonia; Dystonia 11; Dystonia, alcohol responsive; Hereditary essential myoclonus; SGCE Myoclonus-Dystonia. Identifiers: Orphanet 36899, MedGen C1834570, MONDO:0008044, OMIM 159900.

Allele frequency attached by ClinVar (database versions not stated): gnomAD 0.00001; gnomAD exomes 0.00001; ExAC 0.00002; 1000 Genomes Project 30x 0.00016; 1000 Genomes Project 0.00020.
gnomAD v4.1: 14 of 1,613,186 alleles (0.00087%); highest among the groups gnomAD compares: Middle Eastern, 0.017%; no homozygotes.

Submissions (2):

Labcorp Genetics (formerly Invitae), Labcorp
Classification: Uncertain significance for Myoclonic dystonia 11. Last evaluated: 2024-10-21. Review status: criteria provided, single submitter. Criteria: Invitae Variant Classification Sherloc (09022015). Collection method: clinical testing. Allele origin: germline.
Comment: This sequence change replaces isoleucine, which is neutral and non-polar, with phenylalanine, which is neutral and non-polar, at codon 294 of the SGCE protein (p.Ile294Phe). This variant is present in population databases (rs556458255, gnomAD 0.01%). This variant has not been reported in the literature in individuals affected with SGCE-related conditions. ClinVar contains an entry for this variant (Variation ID: 2584843). Invitae Evidence Modeling of protein sequence and biophysical properties (such as structural, functional, and spatial information, amino acid conservation, physicochemical variation, residue mobility, and thermodynamic stability) indicates that this missense variant is not expected to disrupt SGCE protein function with a negative predictive value of 80%. In summary, the available evidence is currently insufficient to determine the role of this variant in disease. Therefore, it has been classified as a Variant of Uncertain Significance.

Neuberg Centre For Genomic Medicine, NCGM
Classification: Uncertain significance for Myoclonic dystonia 11. Review status: criteria provided, single submitter. Criteria: ACMG Guidelines, 2015. Collection method: clinical testing. Allele origin: germline. Inheritance: Autosomal dominant inheritance. Affected: yes.
Comment: The c.880A>T (p.Ile294Phe) missense variant in SGCE gene has not been reported previously as a pathogenic variant nor as a benign variant, to our knowledge. This variant is reported with the allele frequency (0.001%) in the gnomAD and novel in 1000 genome database. The amino acid Ile at position 294 is changed to a Phe changing protein sequence and it might alter its composition and physico-chemical properties. The amino acid change p.Ile294Phe in SGCE is predicted as conserved by GERP++ and PhyloP across 100 vertebrates. For these reasons, this variant has been classified as Variant of Uncertain Significance (VUS).

NM_003919.3(SGCE):c.880A>T (p.Ile294Phe)

Genes: CASD1 (CAS1 domain sialic acid O acetyltransferase 1; plus strand), SGCE (sarcoglycan epsilon; minus strand). Cytogenetic location: 7q21.3.
Variant type: single nucleotide variant.
Coding change: c.880A>T on transcript NM_003919.3 (MANE Select); coding-DNA position 880, A replaced by T.
Protein change: p.Ile294Phe; replaces isoleucine 294 with phenylalanine.
Molecular consequence: missense variant.
Genome position (GRCh38, 1-based): chr7:94,600,803, T>A on the plus strand (A>T on the coding strand, the complement: SGCE is on the minus strand). VCF-style: chr7-94600803-T-A. GRCh37 (hg19) VCF-style: chr7-94230115-T-A.
Other names: c.880A>T, p.Ile294Phe (NM_001099400.2, NM_001099401.2, NM_001346717.2); c.757A>T, p.Ile253Phe (NM_001301139.2, NM_001362809.2); c.988A>T, p.Ile330Phe (NM_001346713.2, NM_001346715.2); c.793A>T, p.Ile265Phe (NM_001346719.2, NM_001362807.2); c.607A>T, p.Ile203Phe (NM_001346720.2, NM_001362808.2); short protein forms I203F, I265F, I253F, I294F, I330F.
Identifiers: ClinVar variation 2584843 (VCV002584843.3), dbSNP rs556458255, ClinGen allele CA4348696.